The following is an entry in ClinVar:

ClinVar aggregate classification (germline): Uncertain significance (1 of 4 stars; one submission).

Conditions:
Epilepsy, familial adult myoclonic, 5 (EPEO5). Also called: CORTICAL MYOCLONIC TREMOR WITH EPILEPSY, FAMILIAL, 5. Identifiers: Orphanet 86814, MedGen C3809374, MONDO:0014167, OMIM 615400.

Allele frequency attached by ClinVar (database versions not stated): gnomAD exomes below 0.00001 and 0.00004; TOPMed 0.00001; gnomAD 0.00002.

Submission:

Labcorp Genetics (formerly Invitae), Labcorp
Classification: Uncertain significance for Epilepsy, familial adult myoclonic, 5. Last evaluated: 2022-04-28. Review status: criteria provided, single submitter. Criteria: Invitae Variant Classification Sherloc (09022015). Collection method: clinical testing. Allele origin: germline.
Comment: This sequence change replaces methionine, which is neutral and non-polar, with threonine, which is neutral and polar, at codon 1031 of the CNTN2 protein (p.Met1031Thr). This variant is present in population databases (no rsID available, gnomAD 0.002%). This variant has not been reported in the literature in individuals affected with CNTN2-related conditions. ClinVar contains an entry for this variant (Variation ID: 653996). Advanced modeling of protein sequence and biophysical properties (such as structural, functional, and spatial information, amino acid conservation, physicochemical variation, residue mobility, and thermodynamic stability) performed at Invitae indicates that this missense variant is not expected to disrupt CNTN2 protein function. In summary, the available evidence is currently insufficient to determine the role of this variant in disease. Therefore, it has been classified as a Variant of Uncertain Significance.

NM_005076.5(CNTN2):c.3092T>C (p.Met1031Thr)

Gene: CNTN2 (contactin 2; plus strand). Cytogenetic location: 1q32.1.
Variant type: single nucleotide variant.
Coding change: c.3092T>C on transcript NM_005076.5 (MANE Select); coding-DNA position 3092, T replaced by C.
Protein change: p.Met1031Thr; replaces methionine 1031 with threonine.
Molecular consequence: missense variant. On other transcripts: non-coding transcript variant (1).
Genome position (GRCh38, 1-based): chr1:205,073,734, T>C. VCF-style: chr1-205073734-T-C. GRCh37 (hg19) VCF-style: chr1-205042862-T-C.
Other names: c.3092T>C, p.Met1031Thr (NM_001346083.2); short protein forms M1031T.
Identifiers: ClinVar variation 653996 (VCV000653996.6), dbSNP rs1401995560, ClinGen allele CA344384314.